The following is an entry in ClinVar:

ClinVar aggregate classification (germline): Pathogenic. Review status: criteria provided, multiple submitters, no conflicts (2 of 4 stars). 2 submissions from 2 submitters: Pathogenic (2). Last evaluated 2018-09-21.

Conditions:
Familial thoracic aortic aneurysm and aortic dissection (TAAD). Also called: Thoracic aortic aneurysms and dissections. Identifiers: Orphanet 91387, MedGen C4707243, MONDO:0019625.

Submissions (2):

Ambry Genetics
Classification: Pathogenic for Familial thoracic aortic aneurysm and aortic dissection. Last evaluated: 2018-09-21. Review status: criteria provided, single submitter. Criteria: Ambry Variant Classification Scheme 2023. Collection method: clinical testing. Allele origin: germline.
Comment: The c.6682dupT pathogenic mutation, located in coding exon 54 of the FBN1 gene, results from a duplication of T at nucleotide position 6682, causing a translational frameshift with a predicted alternate stop codon (p.Y2228Lfs*2). This alteration is expected to result in loss of function by premature protein truncation or nonsense-mediated mRNA decay. As such, this alteration is interpreted as a disease-causing mutation.

Eurofins Ntd Llc (ga)
Classification: Pathogenic. Last evaluated: 2016-09-07. Review status: criteria provided, single submitter. Criteria: EGL Classification Definitions. Collection method: clinical testing. Allele origin: germline. Observed: 1 variant allele, 1 heterozygote.

NM_000138.5(FBN1):c.6682dup (p.Tyr2228fs)

Gene: FBN1 (fibrillin 1; minus strand). Cytogenetic location: 15q21.1.
Variant type: Duplication.
Coding change: c.6682dup on transcript NM_000138.5 (MANE Select); coding-DNA position 6682, one base duplicated (T; older notation c.6682dupT).
Protein change: p.Tyr2228fs; shifts the reading frame from tyrosine 2228.
Molecular consequence: frameshift variant.
Genome position (GRCh38, 1-based): chr15:48,432,923, A duplicated on the plus strand (T on the coding strand, the reverse complement: FBN1 is on the minus strand). VCF-style (leftmost placement, unchanged base first): chr15-48432922-T-TA. GRCh37 (hg19) VCF-style: chr15-48725119-T-TA.
Other names: short protein forms Y2228fs.
Identifiers: ClinVar variation 290735 (VCV000290735.8), dbSNP rs886044547, ClinGen allele CA10606894.